The following is an entry in ClinVar:

ClinVar aggregate classification (germline): Likely benign. Review status: criteria provided, multiple submitters, no conflicts (2 of 4 stars). 3 submissions from 3 submitters: Likely benign (3). Last evaluated 2026-01-23.

Conditions:
Arrhythmogenic right ventricular dysplasia 9 (ARVD9). Also called: ARRHYTHMOGENIC RIGHT VENTRICULAR DYSPLASIA, FAMILIAL, 9; Arrhythmogenic Right Ventricular Dysplasia/Cardiomyopathy 9. Identifiers: MedGen C1836906, MONDO:0012180, OMIM 609040.

Allele frequency attached by ClinVar (database versions not stated): TOPMed 0.00002; ESP Exome Variant Server 0.00008.

Submissions (3):

Women's Health and Genetics/Laboratory Corporation of America, LabCorp
Classification: Likely benign. Last evaluated: 2026-01-23. Review status: criteria provided, single submitter. Criteria: LabCorp Variant Classification Summary - May 2015. Collection method: clinical testing. Allele origin: germline.

Labcorp Genetics (formerly Invitae), Labcorp
Classification: Likely benign for Arrhythmogenic right ventricular dysplasia 9. Last evaluated: 2025-10-25. Review status: criteria provided, single submitter. Criteria: Invitae Variant Classification Sherloc (09022015). Collection method: clinical testing. Allele origin: germline.

GeneDx
Classification: Likely benign. Last evaluated: 2015-12-09. Review status: criteria provided, single submitter. Criteria: GeneDx Variant Classification (06012015). Collection method: clinical testing. Allele origin: germline. Affected: yes.
Comment: This variant is considered likely benign or benign based on one or more of the following criteria: it is a conservative change, it occurs at a poorly conserved position in the protein, it is predicted to be benign by multiple in silico algorithms, and/or has population frequency not consistent with disease.

NM_001005242.3(PKP2):c.224-18A>T

Gene: PKP2 (plakophilin 2; minus strand). Cytogenetic location: 12p11.21.
Variant type: single nucleotide variant.
Coding change: c.224-18A>T on transcript NM_001005242.3 (MANE Select); 18 bases into the intron before coding-DNA position 224, A replaced by T.
Molecular consequence: intron variant.
Genome position (GRCh38, 1-based): chr12:32,879,050, T>A on the plus strand (A>T on the coding strand, the complement: PKP2 is on the minus strand). VCF-style: chr12-32879050-T-A. GRCh37 (hg19) VCF-style: chr12-33031984-T-A.
Other names: c.224-18A>T (NM_004572.4).
Identifiers: ClinVar variation 382167 (VCV000382167.6), dbSNP rs370733920, ClinGen allele CA033810.